The following is an entry in ClinVar:

ClinVar aggregate classification (germline): Benign. Review status: criteria provided, multiple submitters, no conflicts (2 of 4 stars). 2 submissions from 2 submitters: Benign (2). Last evaluated 2018-06-14.

Allele frequency attached by ClinVar (database versions not stated): 1000 Genomes Project 0.04593; 1000 Genomes Project 30x 0.04872; TOPMed 0.10090; gnomAD 0.10412 and 0.10840; gnomAD exomes 0.14473.

Submissions (2):

GeneDx
Classification: Benign. Last evaluated: 2018-06-14. Review status: criteria provided, single submitter. Criteria: GeneDx Variant Classification (06012015). Collection method: clinical testing. Allele origin: germline. Affected: yes.
Comment: This variant is considered likely benign or benign based on one or more of the following criteria: it is a conservative change, it occurs at a poorly conserved position in the protein, it is predicted to be benign by multiple in silico algorithms, and/or has population frequency not consistent with disease.

Breakthrough Genomics
Classification: Benign. Review status: criteria provided, single submitter. Criteria: ACMG Guidelines, 2015. Collection method: not provided. Allele origin: germline. Inheritance: Autosomal dominant inheritance. Affected: yes.

NM_000069.3(CACNA1S):c.3954-89C>T

Gene: CACNA1S (calcium voltage-gated channel subunit alpha1 S; minus strand). Cytogenetic location: 1q32.1.
Variant type: single nucleotide variant.
Coding change: c.3954-89C>T on transcript NM_000069.3 (MANE Select); 89 bases into the intron before coding-DNA position 3954, C replaced by T.
Molecular consequence: intron variant.
Genome position (GRCh38, 1-based): chr1:201,051,232, G>A on the plus strand (C>T on the coding strand, the complement: CACNA1S is on the minus strand). VCF-style: chr1-201051232-G-A. GRCh37 (hg19) VCF-style: chr1-201020360-G-A.
Identifiers: ClinVar variation 680202 (VCV000680202.2), dbSNP rs12138260, ClinGen allele CA15125128.